The following is an entry in ClinVar:

NM_000179.3(MSH6):c.2642del (p.Gly881fs)

Gene: MSH6 (mutS homolog 6; plus strand). Cytogenetic location: 2p16.3.
Variant type: Deletion.
Coding change: c.2642del on transcript NM_000179.3 (MANE Select); coding-DNA position 2642, one base deleted (G; older notation c.2642delG).
Protein change: p.Gly881fs; shifts the reading frame from glycine 881.
Molecular consequence: frameshift variant.
Genome position (GRCh38, 1-based): chr2:47,800,625, G deleted; the last of 2 consecutive G bases (chr2:47,800,624-47,800,625); deleting either gives the same sequence. VCF-style (leftmost placement, unchanged base first): chr2-47800623-TG-T. GRCh37 (hg19) VCF-style: chr2-48027762-TG-T.
Other names: c.2252del, p.Gly751fs (NM_001281492.2); c.1736del, p.Gly579fs (NM_001281493.2, NM_001281494.2); c.2738delG, p.Gly913Valfs (NM_001406795.1, NM_001406802.1); c.2642delG, p.Gly881Valfs (NM_001406796.1, NM_001406798.1, NM_001406800.1 and 2 more transcripts); c.2345delG, p.Gly782Valfs (NM_001406797.1, NM_001406801.1, NM_001406805.1 and 10 more transcripts); c.2117delG, p.Gly706Valfs (NM_001406799.1, NM_001406806.1, NM_001406807.1); c.2564delG, p.Gly855Valfs (NM_001406804.1); c.1736delG, p.Gly579Valfs (NM_001406811.1, NM_001406812.1, NM_001406814.1 and 4 more transcripts); and 2 more; short protein forms G579fs, G751fs, G881fs.
Identifiers: ClinVar variation 1794209 (VCV001794209.8), dbSNP rs2530684566, ClinGen allele CA2580067970.

ClinVar aggregate classification (germline): Pathogenic. Review status: criteria provided, multiple submitters, no conflicts (2 of 4 stars). 3 submissions from 3 submitters: Pathogenic (3). Last evaluated 2023-08-17.

Conditions:
Hereditary cancer-predisposing syndrome. Also called: Tumor predisposition; Hereditary Cancer Syndrome; Neoplastic Syndromes, Hereditary; Hereditary neoplastic syndrome. Identifiers: Orphanet 140162, MedGen C0027672, MeSH D009386, MONDO:0015356.
Hereditary nonpolyposis colorectal neoplasms. Identifiers: MedGen C0009405, MeSH D003123.
Lynch syndrome 5 (LYNCH5). Also called: Colorectal cancer, hereditary nonpolyposis, type 5; Hereditary non-polyposis colorectal cancer, type 5. Identifiers: Orphanet 144, MedGen C1833477, MONDO:0013710, OMIM 614350. Disease mechanism: loss of function.

Submissions (3):

Myriad Genetics, Inc.
Classification: Pathogenic for Lynch syndrome 5. Last evaluated: 2023-08-17. Review status: criteria provided, single submitter. Criteria: Myriad Autosomal Dominant, Autosomal Recessive and X-Linked Classification Criteria (2023). Collection method: clinical testing. Allele origin: unknown.
Comment: This variant is considered pathogenic. This variant creates a frameshift predicted to result in premature protein truncation.

Labcorp Genetics (formerly Invitae), Labcorp
Classification: Pathogenic for Hereditary nonpolyposis colorectal neoplasms. Last evaluated: 2022-05-09. Review status: criteria provided, single submitter. Criteria: Invitae Variant Classification Sherloc (09022015). Collection method: clinical testing. Allele origin: germline.
Comment: For these reasons, this variant has been classified as Pathogenic. This sequence change creates a premature translational stop signal (p.Gly881Valfs*25) in the MSH6 gene. It is expected to result in an absent or disrupted protein product. Loss-of-function variants in MSH6 are known to be pathogenic (PMID: 18269114, 24362816). This variant is not present in population databases (gnomAD no frequency). This variant has not been reported in the literature in individuals affected with MSH6-related conditions.

Ambry Genetics
Classification: Pathogenic for Hereditary cancer-predisposing syndrome. Last evaluated: 2021-07-14. Review status: criteria provided, single submitter. Criteria: Ambry Variant Classification Scheme 2023. Collection method: clinical testing. Allele origin: germline.
Comment: The c.2642delG pathogenic mutation, located in coding exon 4 of the MSH6 gene, results from a deletion of one nucleotide at nucleotide position 2642, causing a translational frameshift with a predicted alternate stop codon (p.G881Vfs*25). This alteration is expected to result in loss of function by premature protein truncation or nonsense-mediated mRNA decay. As such, this alteration is interpreted as a disease-causing mutation.

Literature cited by the submitters: PubMed 18269114 (cited by Labcorp Genetics (formerly Invitae), Labcorp); PubMed 24362816 (cited by Labcorp Genetics (formerly Invitae), Labcorp).